The following is an entry in ClinVar:

ClinVar aggregate classification (germline): Uncertain significance (1 of 4 stars; one submission).

gnomAD v4.1: 2 of 1,613,868 alleles (0.00012%); highest among the groups gnomAD compares: Admixed American, 0.0033%; no homozygotes.

Submission:

GeneDx
Classification: Uncertain significance. Last evaluated: 2024-01-13. Review status: criteria provided, single submitter. Criteria: GeneDx Variant Classification Process June 2021. Collection method: clinical testing. Allele origin: germline. Affected: yes.
Comment: Not observed at significant frequency in large population cohorts (gnomAD); In silico analysis supports that this missense variant has a deleterious effect on protein structure/function; Has not been previously published as pathogenic or benign to our knowledge

NM_024312.5(GNPTAB):c.490G>T (p.Ala164Ser)

Gene: GNPTAB (N-acetylglucosamine-1-phosphate transferase subunits alpha and beta; minus strand). Cytogenetic location: 12q23.2.
Variant type: single nucleotide variant.
Coding change: c.490G>T on transcript NM_024312.5 (MANE Select); coding-DNA position 490, G replaced by T.
Protein change: p.Ala164Ser; replaces alanine 164 with serine.
Molecular consequence: missense variant.
Genome position (GRCh38, 1-based): chr12:101,786,093, C>A on the plus strand (G>T on the coding strand, the complement: GNPTAB is on the minus strand). VCF-style: chr12-101786093-C-A. GRCh37 (hg19) VCF-style: chr12-102179871-C-A.
Other names: short protein forms A164S.
Identifiers: ClinVar variation 3367958 (VCV003367958.1).